The following is an entry in ClinVar:

ClinVar aggregate classification (germline): Uncertain significance. Review status: criteria provided, multiple submitters, no conflicts (2 of 4 stars). 6 submissions from 6 submitters: Uncertain significance (5). 1 of the submissions does not count toward it. Last evaluated 2025-09-04.

Conditions:
Cardiomyopathy (CMYO). Also called: Cardiomyopathies. Identifiers: Orphanet 167848, MedGen C0878544, MONDO:0004994, HP:0001638. Inheritance: Various modes of inheritance.
Lethal congenital glycogen storage disease of heart. Also called: GLYCOGEN STORAGE DISEASE OF HEART; PHOSPHORYLASE KINASE DEFICIENCY OF HEART. Identifiers: Orphanet 439854, MedGen C1849813, MONDO:0009867, OMIM 261740.
Hypertrophic cardiomyopathy. Also called: HYPERTROPHIC MYOCARDIOPATHY. Identifiers: Orphanet 217569, MedGen C0007194, MeSH D002312, MONDO:0005045, HP:0001639.

Allele frequency attached by ClinVar (database versions not stated): ExAC 0.00001; gnomAD 0.00001; gnomAD exomes 0.00001 and 0.00002; TOPMed 0.00002.
gnomAD v4.1: 15 of 1,614,008 alleles (0.00093%); highest among the groups gnomAD compares: Admixed American, 0.0033%; no homozygotes.

Submissions (6):

Color Diagnostics, LLC DBA Color Health
Classification: Uncertain significance for Cardiomyopathy. Last evaluated: 2025-09-04. Review status: criteria provided, single submitter. Criteria: ACMG Guidelines, 2015. Collection method: clinical testing. Allele origin: germline.
Comment: This missense variant replaces serine with leucine at codon 143 of the PRKAG2 protein. Computational prediction suggests that this variant may not impact protein structure and function. To our knowledge, functional studies have not been reported for this variant. This variant has been reported in at least two individuals affected with hypertrophic cardiomyopathy (PMID: 27532257, 32150461). This variant has been identified in 5/251284 chromosomes in the general population by the Genome Aggregation Database (gnomAD). The available evidence is insufficient to determine the role of this variant in disease conclusively. Therefore, this variant is classified as a Variant of Uncertain Significance.

Labcorp Genetics (formerly Invitae), Labcorp
Classification: Uncertain significance for Lethal congenital glycogen storage disease of heart. Last evaluated: 2025-01-01. Review status: criteria provided, single submitter. Criteria: Invitae Variant Classification Sherloc (09022015). Collection method: clinical testing. Allele origin: germline.
Comment: This sequence change replaces serine, which is neutral and polar, with leucine, which is neutral and non-polar, at codon 143 of the PRKAG2 protein (p.Ser143Leu). This variant is present in population databases (rs397517271, gnomAD 0.006%). This missense change has been observed in individual(s) with hypertrophic cardiomyopathy (PMID: 27532257, 32150461). ClinVar contains an entry for this variant (Variation ID: 45718). Invitae Evidence Modeling of protein sequence and biophysical properties (such as structural, functional, and spatial information, amino acid conservation, physicochemical variation, residue mobility, and thermodynamic stability) indicates that this missense variant is not expected to disrupt PRKAG2 protein function with a negative predictive value of 95%. In summary, the available evidence is currently insufficient to determine the role of this variant in disease. Therefore, it has been classified as a Variant of Uncertain Significance.

Blueprint Genetics
Classification: Uncertain significance. Last evaluated: 2024-05-08. Review status: criteria provided, single submitter. Criteria: ACMG Guidelines, 2015. Collection method: clinical testing. Allele origin: germline.

GeneDx
Classification: Uncertain significance. Last evaluated: 2023-12-12. Review status: criteria provided, single submitter. Criteria: GeneDx Variant Classification Process June 2021. Collection method: clinical testing. Allele origin: germline. Affected: yes.
Comment: Reported in association with hypertrophic cardiomyopathy (PMID: 27532257, 32150461); Not observed at significant frequency in large population cohorts (gnomAD); In silico analysis supports that this missense variant does not alter protein structure/function; This variant is associated with the following publications: (PMID: 32150461, 27532257)

All of Us Research Program, National Institutes of Health
Classification: Uncertain significance for Hypertrophic cardiomyopathy. Last evaluated: 2023-12-01. Review status: criteria provided, single submitter. Criteria: ACMG Guidelines, 2015. Collection method: clinical testing. Allele origin: germline. Inheritance: Autosomal dominant inheritance. Observed: 5 variant alleles, 5 heterozygotes.
Comment: This missense variant replaces serine with leucine at codon 143 of the PRKAG2 protein. Computational prediction suggests that this variant may not impact protein structure and function (internally defined REVEL score threshold <= 0.5, PMID: 27666373). Splice site prediction tools suggest that this variant may not impact RNA splicing. To our knowledge, functional studies have not been performed for this variant. This variant has not been reported in individuals affected with cardiovascular disorders in the literature. This variant has been identified in 5/251284 chromosomes in the general population by the Genome Aggregation Database (gnomAD). The available evidence is insufficient to determine the role of this variant in disease conclusively. Therefore, this variant is classified as a Variant of Uncertain Significance.

This study involves interpretation of variants in research participants for the purpose of population health screening. Participant phenotype was not available at the time of variant classification. Additional details can be found in publication PMID: 35346344, PMCID: PMC8962531

Laboratory for Molecular Medicine, Mass General Brigham Personalized Medicine
Classification: Uncertain significance. Last evaluated: 2008-10-01. Review status: no assertion criteria provided. Collection method: clinical testing. Allele origin: germline. Observed: 1 variant allele. Not counted in ClinVar's aggregate classification.

Literature cited by the submitters: PubMed 27532257 (cited by Color Diagnostics, LLC DBA Color Health and Labcorp Genetics (formerly Invitae), Labcorp); PubMed 32150461 (cited by Color Diagnostics, LLC DBA Color Health and Labcorp Genetics (formerly Invitae), Labcorp).

NM_016203.4(PRKAG2):c.428C>T (p.Ser143Leu)

Gene: PRKAG2 (protein kinase AMP-activated non-catalytic subunit gamma 2; minus strand). Cytogenetic location: 7q36.1.
Variant type: single nucleotide variant.
Coding change: c.428C>T on transcript NM_016203.4 (MANE Select); coding-DNA position 428, C replaced by T.
Protein change: p.Ser143Leu; replaces serine 143 with leucine.
Molecular consequence: missense variant.
Genome position (GRCh38, 1-based): chr7:151,781,190, G>A on the plus strand (C>T on the coding strand, the complement: PRKAG2 is on the minus strand). VCF-style: chr7-151781190-G-A. GRCh37 (hg19) VCF-style: chr7-151478276-G-A.
Other names: c.296C>T, p.Ser99Leu (NM_001040633.2); short protein forms S143L, S99L.
Identifiers: ClinVar variation 45718 (VCV000045718.22), dbSNP rs397517271, ClinGen allele CA014201.